The following is an entry in ClinVar:

ClinVar aggregate classification (germline): Uncertain significance. Review status: criteria provided, multiple submitters, no conflicts (2 of 4 stars). 3 submissions from 3 submitters: Uncertain significance (3). Last evaluated 2025-10-01.

Conditions:
Episodic ataxia type 2 (EA2). Also called: ATAXIA, EPISODIC, WITH NYSTAGMUS; ATAXIA, FAMILIAL PAROXYSMAL; CEREBELLAR ATAXIA, PAROXYSMAL, ACETAZOLAMIDE-RESPONSIVE; CEREBELLOPATHY, HEREDITARY PAROXYSMAL; EPISODIC ATAXIA, NYSTAGMUS-ASSOCIATED; ACETAZOLAMIDE-RESPONSIVE HEREDITARY PAROXYSMAL CEREBELLAR ATAXIA. Identifiers: Orphanet 97, MedGen C1720416, MONDO:0007163, OMIM 108500.
Developmental and epileptic encephalopathy, 42 (DEE42A). Also called: Epileptic encephalopathy, early infantile, 42; DEVELOPMENTAL AND EPILEPTIC ENCEPHALOPATHY 42A; EPILEPTIC ENCEPHALOPATHY, EARLY INFANTILE, 42A. Identifiers: MedGen C4310716, MONDO:0014917, OMIM 617106.

Allele frequency attached by ClinVar (database versions not stated): TOPMed below 0.00001; gnomAD 0.00001; gnomAD exomes 0.00001.
gnomAD v4.1: 15 of 1,567,090 alleles (0.00096%); highest among the groups gnomAD compares: Middle Eastern, 0.022%; no homozygotes.

Submissions (3):

CeGaT Center for Human Genetics Tuebingen
Classification: Uncertain significance. Last evaluated: 2025-10-01. Review status: criteria provided, single submitter. Criteria: CeGaT Center For Human Genetics Tuebingen Variant Classification Criteria Version 2. Collection method: clinical testing. Allele origin: germline. Affected: yes. Observed: 4 variant alleles.
Comment: CACNA1A: PP3

Labcorp Genetics (formerly Invitae), Labcorp
Classification: Uncertain significance for Developmental and epileptic encephalopathy, 42; Episodic ataxia type 2. Last evaluated: 2020-09-15. Review status: criteria provided, single submitter. Criteria: Invitae Variant Classification Sherloc (09022015). Collection method: clinical testing. Allele origin: germline.
Comment: In summary, the available evidence is currently insufficient to determine the role of this variant in disease. Therefore, it has been classified as a Variant of Uncertain Significance. Advanced modeling of protein sequence and biophysical properties (such as structural, functional, and spatial information, amino acid conservation, physicochemical variation, residue mobility, and thermodynamic stability) performed at Invitae indicates that this missense variant is expected to disrupt CACNA1A protein function. This variant has not been reported in the literature in individuals with CACNA1A-related conditions. ClinVar contains an entry for this variant (Variation ID: 808461). This variant is not present in population databases (ExAC no frequency). This sequence change replaces glycine with serine at codon 2253 of the CACNA1A protein (p.Gly2253Ser). The glycine residue is moderately conserved and there is a small physicochemical difference between glycine and serine.

Blueprint Genetics
Classification: Uncertain significance. Last evaluated: 2018-08-02. Review status: criteria provided, single submitter. Criteria: ACMG Guidelines, 2015. Collection method: clinical testing. Allele origin: germline.

NM_001127222.2(CACNA1A):c.6754G>A (p.Gly2252Ser)

Genes: CACNA1A (calcium voltage-gated channel subunit alpha1 A; minus strand), LOC130063717 (ATAC-STARR-seq lymphoblastoid silent region 10203; plus strand). Cytogenetic location: 19p13.13.
Variant type: single nucleotide variant.
Coding change: c.6754G>A on transcript NM_001127222.2 (MANE Select); coding-DNA position 6754, G replaced by A.
Protein change: p.Gly2252Ser; replaces glycine 2252 with serine.
Molecular consequence: missense variant.
Genome position (GRCh38, 1-based): chr19:13,208,782, C>T on the plus strand (G>A on the coding strand, the complement: CACNA1A is on the minus strand). VCF-style: chr19-13208782-C-T. GRCh37 (hg19) VCF-style: chr19-13319596-C-T.
Other names: c.6772G>A, p.Gly2258Ser (NM_000068.4, NM_023035.3); c.6757G>A, p.Gly2253Ser (NM_001127221.2); c.6763G>A, p.Gly2255Ser (NM_001174080.2); short protein forms G2252S, G2253S, G2258S, G2255S.
Identifiers: ClinVar variation 808461 (VCV000808461.50), dbSNP rs1433873178, ClinGen allele CA404329418.
Genomic context (GRCh38, chr19:13,208,782, plus strand): 5'-AGCCCAGCCTGGGGTCACTTGCAGCCGCACCCACCTGCCGGTGCGCCATGTGCTCTCGGC[C>T]CTCGCTGGGCGAGCGGGACCAGCGCTGGTCCCGAGCCCGTGCCCGGCCGTGGTCCGGCCG-3'
Protein context (NP_001120694.1, residues 2242-2262): DQRWSRSPSE[Gly2252Ser]REHMAHRQGS